The following is an entry in ClinVar:

ClinVar aggregate classification (germline): Uncertain significance (1 of 4 stars; one submission).

Conditions:
Hereditary nonpolyposis colorectal neoplasms. Identifiers: MedGen C0009405, MeSH D003123.

Submission:

Labcorp Genetics (formerly Invitae), Labcorp
Classification: Uncertain significance for Hereditary nonpolyposis colorectal neoplasms. Last evaluated: 2022-02-09. Review status: criteria provided, single submitter. Criteria: Invitae Variant Classification Sherloc (09022015). Collection method: clinical testing. Allele origin: germline.
Comment: This sequence change replaces glutamic acid, which is acidic and polar, with aspartic acid, which is acidic and polar, at codon 207 of the MSH6 protein (p.Glu207Asp). This variant is not present in population databases (gnomAD no frequency). This variant has not been reported in the literature in individuals affected with MSH6-related conditions. ClinVar contains an entry for this variant (Variation ID: 950348). Advanced modeling of protein sequence and biophysical properties (such as structural, functional, and spatial information, amino acid conservation, physicochemical variation, residue mobility, and thermodynamic stability) performed at Invitae indicates that this missense variant is not expected to disrupt MSH6 protein function. In summary, the available evidence is currently insufficient to determine the role of this variant in disease. Therefore, it has been classified as a Variant of Uncertain Significance.

NM_000179.3(MSH6):c.621G>C (p.Glu207Asp)

Gene: MSH6 (mutS homolog 6; plus strand). Cytogenetic location: 2p16.3.
Variant type: single nucleotide variant.
Coding change: c.621G>C on transcript NM_000179.3 (MANE Select); coding-DNA position 621, G replaced by C.
Protein change: p.Glu207Asp; replaces glutamic acid 207 with aspartic acid.
Molecular consequence: missense variant. On other transcripts: 5 prime UTR variant (1), intron variant (2).
Genome position (GRCh38, 1-based): chr2:47,796,057, G>C. VCF-style: chr2-47796057-G-C. GRCh37 (hg19) VCF-style: chr2-48023196-G-C.
Other names: c.-282G>C (NM_001281494.2); c.-279-2554G>C (NM_001281493.2); c.238-2554G>C (NM_001281492.2); short protein forms E207D.
Identifiers: ClinVar variation 950348 (VCV000950348.10), dbSNP rs1553411509, ClinGen allele CA346738903.